The following is an entry in ClinVar:

ClinVar aggregate classification (germline): Likely pathogenic (1 of 4 stars; one submission).

Submission:

GeneDx
Classification: Likely pathogenic. Last evaluated: 2026-02-17. Review status: criteria provided, single submitter. Criteria: GeneDx Variant Classification Process June 2021. Collection method: clinical testing. Allele origin: germline.
Comment: Frameshift variant predicted to result in protein truncation or nonsense mediated decay in a gene for which loss of function is a known mechanism of disease; Not observed at significant frequency in large population cohorts (gnomAD); Has not been previously published as pathogenic or benign to our knowledge; Located in the A-band, a region of TTN for which truncating variants are significantly associated with autosomal dominant cardiomyopathy and also with autosomal recessive skeletal myopathies (PMID: 22335739, 32778822); This variant is associated with the following publications: (PMID: 22335739, 32778822)

NM_001267550.2(TTN):c.73803del (p.Ile24601fs)

Genes: TTN (titin; minus strand), TTN-AS1 (TTN antisense RNA 1; plus strand). Cytogenetic location: 2q31.2.
Variant type: Deletion.
Coding change: c.73803del on transcript NM_001267550.2 (MANE Select); coding-DNA position 73803, one base deleted (T; older notation c.73803delT).
Protein change: p.Ile24601fs; shifts the reading frame from isoleucine 24601.
Molecular consequence: frameshift variant.
Genome position (GRCh38, 1-based): chr2:178,572,329, A deleted on the plus strand (T on the coding strand, the reverse complement: TTN is on the minus strand); the first of 2 consecutive A bases (chr2:178,572,329-178,572,330); deleting either gives the same sequence. VCF-style (leftmost placement, unchanged base first): chr2-178572328-CA-C. GRCh37 (hg19) VCF-style: chr2-179437055-CA-C.
Other names: c.68880del, p.Ile22960fs (NM_001256850.1); c.73802delT, p.Ile24601Metfs (NM_001267550.1); c.46608del, p.Ile15536fs (NM_003319.4); c.66099del, p.Ile22033fs (NM_133378.4); c.46983del, p.Ile15661fs (NM_133432.3); c.47184del, p.Ile15728fs (NM_133437.4); short protein forms I15536fs, I15661fs, I15728fs, I22033fs, I22960fs, I24601fs.
Identifiers: ClinVar variation 4975047 (VCV004975047.1).